The following is an entry in ClinVar:

NM_001374736.1(DST):c.3463C>G (p.Pro1155Ala)

Gene: DST (dystonin; minus strand). Cytogenetic location: 6p12.1.
Variant type: single nucleotide variant.
Coding change: c.3463C>G on transcript NM_001374736.1 (MANE Select); coding-DNA position 3463, C replaced by G.
Protein change: p.Pro1155Ala; replaces proline 1155 with alanine.
Molecular consequence: missense variant.
Genome position (GRCh38, 1-based): chr6:56,634,493, G>C on the plus strand (C>G on the coding strand, the complement: DST is on the minus strand). VCF-style: chr6-56634493-G-C. GRCh37 (hg19) VCF-style: chr6-56499291-G-C.
Other names: c.3364C>G, p.Pro1122Ala (NM_001144769.5); c.2950C>G, p.Pro984Ala (NM_001144770.2); c.3463C>G, p.Pro1155Ala (NM_001374722.1); c.2830C>G, p.Pro944Ala (NM_001374729.1, NM_001374730.1, NM_001386100.1 and 1 more transcripts); c.3490C>G, p.Pro1164Ala (NM_001374734.1); c.1852C>G, p.Pro618Ala (NM_001723.7, NM_015548.5); short protein forms P1122A, P1155A, P1164A, P618A, P944A, P984A.
Identifiers: ClinVar variation 1470723 (VCV001470723.5), dbSNP rs1211748615, ClinGen allele CA364575891.

ClinVar aggregate classification (germline): Uncertain significance (1 of 4 stars; one submission).

Conditions:
Hereditary sensory and autonomic neuropathy type 6. Also called: HSAN VI; Neuropathy, hereditary sensory and autonomic, type VI. Identifiers: Orphanet 314381, MedGen C3539003, MONDO:0013839, OMIM 614653.
Epidermolysis bullosa simplex 3, localized or generalized intermediate, with BP230 deficiency (EBS3). Also called: Epidermolysis bullosa simplex, autosomal recessive 2; Epidermolysis bullosa simplex due to BP230 deficiency. Identifiers: Orphanet 412181, MedGen C3809470, MONDO:0014180, OMIM 615425.

Allele frequency attached by ClinVar (database versions not stated): TOPMed below 0.00001.

Submission:

Labcorp Genetics (formerly Invitae), Labcorp
Classification: Uncertain significance for Epidermolysis bullosa simplex 3, localized or generalized intermediate, with BP230 deficiency; Hereditary sensory and autonomic neuropathy type 6. Last evaluated: 2022-07-06. Review status: criteria provided, single submitter. Criteria: Invitae Variant Classification Sherloc (09022015). Collection method: clinical testing. Allele origin: germline.
Comment: This sequence change replaces proline, which is neutral and non-polar, with alanine, which is neutral and non-polar, at codon 618 of the DST protein (p.Pro618Ala). This variant is not present in population databases (gnomAD no frequency). This variant has not been reported in the literature in individuals affected with DST-related conditions. ClinVar contains an entry for this variant (Variation ID: 1470723). Algorithms developed to predict the effect of missense changes on protein structure and function (SIFT, PolyPhen-2, Align-GVGD) all suggest that this variant is likely to be disruptive. Algorithms developed to predict the effect of sequence changes on RNA splicing suggest that this variant may create or strengthen a splice site. In summary, the available evidence is currently insufficient to determine the role of this variant in disease. Therefore, it has been classified as a Variant of Uncertain Significance.